The following is an entry in ClinVar:

ClinVar aggregate classification (germline): Uncertain significance (1 of 4 stars; one submission).

Conditions:
Hereditary cancer-predisposing syndrome. Also called: Neoplastic Syndromes, Hereditary; Tumor predisposition; Hereditary neoplastic syndrome; Hereditary Cancer Syndrome. Identifiers: Orphanet 140162, MedGen C0027672, MeSH D009386, MONDO:0015356.

Submission:

Ambry Genetics
Classification: Uncertain significance for Hereditary cancer-predisposing syndrome. Last evaluated: 2026-06-24. Review status: criteria provided, single submitter. Criteria: Ambry Variant Classification Scheme 2023. Collection method: clinical testing. Allele origin: germline.
Comment: The p.H528Q variant (also known as c.1584C>G), located in coding exon 17 of the CDC73 gene, results from a C to G substitution at nucleotide position 1584. The histidine at codon 528 is replaced by glutamine, an amino acid with highly similar properties. This amino acid position is conserved. In addition, the in silico prediction for this alteration is inconclusive. Based on the available evidence, the clinical significance of this variant remains unclear.

NM_024529.5(CDC73):c.1584C>G (p.His528Gln)

Gene: CDC73 (cell division cycle 73; plus strand). Cytogenetic location: 1q31.2.
Variant type: single nucleotide variant.
Coding change: c.1584C>G on transcript NM_024529.5 (MANE Select); coding-DNA position 1584, C replaced by G.
Protein change: p.His528Gln; replaces histidine 528 with glutamine.
Molecular consequence: missense variant.
Genome position (GRCh38, 1-based): chr1:193,250,700, C>G. VCF-style: chr1-193250700-C-G. GRCh37 (hg19) VCF-style: chr1-193219830-C-G.
Other names: short protein forms H528Q.
Identifiers: ClinVar variation 5033833 (VCV005033833.1).